The following is an entry in ClinVar:

NM_001374736.1(DST):c.21702G>A (p.Gln7234=)

Gene: DST (dystonin; minus strand). Cytogenetic location: 6p12.1.
Variant type: single nucleotide variant.
Coding change: c.21702G>A on transcript NM_001374736.1 (MANE Select); coding-DNA position 21702, G replaced by A.
Protein change: p.Gln7234=; no amino-acid change (glutamine 7234 retained).
Molecular consequence: synonymous variant.
Genome position (GRCh38, 1-based): chr6:56,476,311, C>T on the plus strand (G>A on the coding strand, the complement: DST is on the minus strand). VCF-style: chr6-56476311-C-T. GRCh37 (hg19) VCF-style: chr6-56341109-C-T.
Other names: c.15345G>A, p.Gln5115= (NM_001144769.5); c.14931G>A, p.Gln4977= (NM_001144770.2); c.21702G>A, p.Gln7234= (NM_001374722.1); c.20742G>A, p.Gln6914= (NM_001374729.1); c.14484G>A, p.Gln4828= (NM_001374730.1); c.21729G>A, p.Gln7243= (NM_001374734.1); c.14811G>A, p.Gln4937= (NM_001386100.1, NM_183380.4); c.13833G>A, p.Gln4611= (NM_015548.5).
Identifiers: ClinVar variation 1939609 (VCV001939609.5), dbSNP rs1211459980, ClinGen allele CA450487218.

ClinVar aggregate classification (germline): Uncertain significance (1 of 4 stars; one submission).

Conditions:
Hereditary sensory and autonomic neuropathy type 6. Also called: Neuropathy, hereditary sensory and autonomic, type VI; HSAN VI. Identifiers: Orphanet 314381, MedGen C3539003, MONDO:0013839, OMIM 614653.
Epidermolysis bullosa simplex 3, localized or generalized intermediate, with BP230 deficiency (EBS3). Also called: Epidermolysis bullosa simplex due to BP230 deficiency; Epidermolysis bullosa simplex, autosomal recessive 2. Identifiers: Orphanet 412181, MedGen C3809470, MONDO:0014180, OMIM 615425.

Allele frequency attached by ClinVar (database versions not stated): gnomAD exomes 0.00001.
gnomAD v4.1: 4 of 1,600,900 alleles (0.00025%); highest among the groups gnomAD compares: Non-Finnish European, 0.00034%; no homozygotes.

Submission:

Labcorp Genetics (formerly Invitae), Labcorp
Classification: Uncertain significance for Epidermolysis bullosa simplex 3, localized or generalized intermediate, with BP230 deficiency; Hereditary sensory and autonomic neuropathy type 6. Last evaluated: 2022-03-21. Review status: criteria provided, single submitter. Criteria: Invitae Variant Classification Sherloc (09022015). Collection method: clinical testing. Allele origin: germline.
Comment: This variant has not been reported in the literature in individuals affected with DST-related conditions. In summary, the available evidence is currently insufficient to determine the role of this variant in disease. Therefore, it has been classified as a Variant of Uncertain Significance. The frequency data for this variant in the population databases is considered unreliable, as metrics indicate poor data quality at this position in the gnomAD database. This sequence change affects codon 13833 of the DST mRNA. It is a 'silent' change, meaning that it does not change the encoded amino acid sequence of the DST protein. The DST gene has multiple clinically relevant transcripts. This variant occurs in alternate transcript NM_015548.4, and corresponds to NM_001723.5:c.*139206G>A in the primary transcript.